The following is an entry in ClinVar:

ClinVar aggregate classification (germline): Uncertain significance (1 of 4 stars; one submission).

Conditions:
Vici syndrome (VICIS). Identifiers: Orphanet 1493, MedGen C1855772, MONDO:0009452, OMIM 242840.

Submission:

Labcorp Genetics (formerly Invitae), Labcorp
Classification: Uncertain significance for Vici syndrome. Last evaluated: 2021-03-27. Review status: criteria provided, single submitter. Criteria: Invitae Variant Classification Sherloc (09022015). Collection method: clinical testing. Allele origin: germline.
Comment: In summary, the available evidence is currently insufficient to determine the role of this variant in disease. Therefore, it has been classified as a Variant of Uncertain Significance. This variant has not been reported in the literature in individuals with EPG5-related conditions. This variant is a gross deletion of the genomic region encompassing exon(s) 31-44 of the EPG5 gene. The 5' boundary is likely confined to intron 30. The 3' end of this event is unknown as it extends through the termination codon beyond the assayed region for this gene and may encompass additional genes. While this deletion is not anticipated to lead to nonsense mediated decay, it is expected to alter mRNA translation or result in a truncated protein product.

NC_000018.9:g.(?_43432432)_(43462472_?)del

Gene: EPG5 (ectopic P-granules 5 autophagy tethering factor; minus strand). Cytogenetic location: 18q12.3.
Variant type: Deletion.
Identifiers: ClinVar variation 1434015 (VCV001434015.7).